The following is an entry in ClinVar:

NM_001372076.1(PAX9):c.130C>T (p.Arg44Cys)

Gene: PAX9 (paired box 9; plus strand). Cytogenetic location: 14q13.3.
Variant type: single nucleotide variant.
Coding change: c.130C>T on transcript NM_001372076.1 (MANE Select); coding-DNA position 130, C replaced by T.
Protein change: p.Arg44Cys; replaces arginine 44 with cysteine.
Molecular consequence: missense variant.
Genome position (GRCh38, 1-based): chr14:36,663,022, C>T. VCF-style: chr14-36663022-C-T. GRCh37 (hg19) VCF-style: chr14-37132227-C-T.
Other names: c.130C>T, p.Arg44Cys (NM_006194.4); short protein forms R44C.
Identifiers: ClinVar variation 3032155 (VCV003032155.3), dbSNP rs2502236894, ClinGen allele CA389466177.
Genomic context (GRCh38, chr14:36,663,022, plus strand): 5'-GCCATCCGGCTTCGCATCGTGGAACTGGCCCAACTGGGCATCCGACCGTGTGACATCAGC[C>T]GCCAGCTACGGGTCTCGCACGGCTGCGTCAGCAAGATCCTGGCGCGATACAACGAGACGG-3'
Protein context (NP_001359005.1, residues 34-54): QLGIRPCDIS[Arg44Cys]QLRVSHGCVS

ClinVar aggregate classification (germline): Likely pathogenic. Review status: criteria provided, single submitter (1 of 4 stars). 2 submissions from 2 submitters: Likely pathogenic (1). 1 of the submissions does not count toward it. Last evaluated 2025-09-01.

Conditions:
Tooth agenesis, selective, 3 (STHAG3). Also called: HYPODONTIA/OLIGODONTIA 3. Identifiers: Orphanet 99798, MedGen C1970291, MONDO:0011477, OMIM 604625. Disease mechanism: loss of function.
PAX9-related disorder. Also called: PAX9-related condition.

Submissions (2):

Center of Excellence in Precision Medicine and Digital Health (CEPMDH), Faculty of Dentistry, Chulalongkorn University
Classification: Likely pathogenic for Tooth agenesis, selective, 3. Last evaluated: 2025-09-01. Review status: criteria provided, single submitter. Criteria: ACMG Guidelines, 2015. Collection method: research. Allele origin: germline. Inheritance: Autosomal dominant inheritance. Affected: yes. Observed: 4 variant alleles, 1 heterozygote. Clinical features observed: Oligodontia (HP:0000677).
Comment: The variant is classified as likely pathogenic according to the ACMG criteria (PP1 PM1 PP3 PM2)

PreventionGenetics, part of Exact Sciences
Classification: Uncertain significance for PAX9-related condition. Last evaluated: 2023-10-26. Review status: no assertion criteria provided. Collection method: clinical testing. Allele origin: germline. Not counted in ClinVar's aggregate classification.
Comment: The PAX9 c.130C>T variant is predicted to result in the amino acid substitution p.Arg44Cys. To our knowledge, this variant has not been reported in the literature or in a large population database, indicating this variant is rare. At this time, the clinical significance of this variant is uncertain due to the absence of conclusive functional and genetic evidence.